The following is an entry in ClinVar:

NM_000536.4(RAG2):c.368G>A (p.Arg123His)

Gene: RAG2 (recombination activating 2; minus strand). Cytogenetic location: 11p12.
Variant type: single nucleotide variant.
Coding change: c.368G>A on transcript NM_000536.4 (MANE Select); coding-DNA position 368, G replaced by A.
Protein change: p.Arg123His; replaces arginine 123 with histidine.
Molecular consequence: missense variant.
Genome position (GRCh38, 1-based): chr11:36,593,801, C>T on the plus strand (G>A on the coding strand, the complement: RAG2 is on the minus strand). VCF-style: chr11-36593801-C-T. GRCh37 (hg19) VCF-style: chr11-36615351-C-T.
Other names: c.368G>A, p.Arg123His (NM_001243785.2, NM_001243786.2); short protein forms R123H.
Identifiers: ClinVar variation 304556 (VCV000304556.16), dbSNP rs144012817, ClinGen allele CA5950584.
Genomic context (GRCh38, chr11:36,593,801, plus strand): 5'-TTAATGGAATGACCATATCTGGCTTCAGGAACATCTCCTACCAAGTCTTTCTCTGTGCAG[C>T]GAAAAGTAACCTTTTTGTTGTTCTTGCAAACAATAGACATGACATAAATCTTATCTGAAA-3'
Protein context (NP_000527.2, residues 113-133): VCKNNKKVTF[Arg123His]CTEKDLVGDV

ClinVar aggregate classification (germline): Uncertain significance. Review status: criteria provided, multiple submitters, no conflicts (2 of 4 stars). 9 submissions from 6 submitters: Uncertain significance (8). 1 of the submissions does not count toward it. Last evaluated 2025-01-14.

Conditions:
Severe combined immunodeficiency, autosomal recessive, T cell-negative, B cell-negative, NK cell-positive. Also called: SCID, AR, T-cell negative, B-cell negative, NK cell-positive; Severe combined immunodeficiency due to complete RAG1/2 deficiency; SCID, T CELL-NEGATIVE, B CELL-NEGATIVE, NK CELL-POSITIVE. Identifiers: Orphanet 331206, MedGen C1832322, MONDO:0011086, OMIM 601457.
Combined immunodeficiency with skin granulomas. Identifiers: Orphanet 157949, MedGen C2673536, MONDO:0009306, OMIM 233650.
Histiocytic medullary reticulosis. Also called: SEVERE COMBINED IMMUNODEFICIENCY WITH HYPEREOSINOPHILIA; Omenn syndrome. Identifiers: Orphanet 39041, MedGen C2700553, MONDO:0011338, OMIM 603554.

Allele frequency attached by ClinVar (database versions not stated): gnomAD exomes 0.00013 and 0.00014; ExAC 0.00020; gnomAD 0.00027 and 0.00029; 1000 Genomes Project 30x 0.00031; ESP Exome Variant Server 0.00031; 1000 Genomes Project 0.00040; TOPMed 0.00060.

Submissions (9):

Labcorp Genetics (formerly Invitae), Labcorp
Classification: Uncertain significance for Combined immunodeficiency with skin granulomas; Severe combined immunodeficiency, autosomal recessive, T cell-negative, B cell-negative, NK cell-positive. Last evaluated: 2025-01-14. Review status: criteria provided, single submitter. Criteria: Invitae Variant Classification Sherloc (09022015). Collection method: clinical testing. Allele origin: germline.
Comment: This sequence change replaces arginine, which is basic and polar, with histidine, which is basic and polar, at codon 123 of the RAG2 protein (p.Arg123His). This variant is present in population databases (rs144012817, gnomAD 0.02%). This variant has not been reported in the literature in individuals affected with RAG2-related conditions. ClinVar contains an entry for this variant (Variation ID: 304556). Invitae Evidence Modeling of protein sequence and biophysical properties (such as structural, functional, and spatial information, amino acid conservation, physicochemical variation, residue mobility, and thermodynamic stability) indicates that this missense variant is not expected to disrupt RAG2 protein function with a negative predictive value of 80%. In summary, the available evidence is currently insufficient to determine the role of this variant in disease. Therefore, it has been classified as a Variant of Uncertain Significance.

Blueprint Genetics
Classification: Uncertain significance. Last evaluated: 2024-04-17. Review status: criteria provided, single submitter. Criteria: ACMG Guidelines, 2015. Collection method: clinical testing. Allele origin: germline.

Genome-Nilou Lab
Classification: Uncertain significance for Combined immunodeficiency with skin granulomas. Last evaluated: 2021-07-22. Review status: criteria provided, single submitter. Criteria: ACMG Guidelines, 2015. Collection method: clinical testing. Allele origin: germline. Affected: no.

Genome-Nilou Lab
Classification: Uncertain significance for Histiocytic medullary reticulosis. Last evaluated: 2021-07-22. Review status: criteria provided, single submitter. Criteria: ACMG Guidelines, 2015. Collection method: clinical testing. Allele origin: germline. Affected: no.

Genome-Nilou Lab
Classification: Uncertain significance for Severe combined immunodeficiency, autosomal recessive, T cell-negative, B cell-negative, NK cell-positive. Last evaluated: 2021-07-22. Review status: criteria provided, single submitter. Criteria: ACMG Guidelines, 2015. Collection method: clinical testing. Allele origin: germline. Affected: no.

Fulgent Genetics
Classification: Uncertain significance for Combined immunodeficiency with skin granulomas; Severe combined immunodeficiency, autosomal recessive, T cell-negative, B cell-negative, NK cell-positive; Histiocytic medullary reticulosis. Last evaluated: 2018-10-31. Review status: criteria provided, single submitter. Criteria: ACMG Guidelines, 2015. Collection method: clinical testing. Allele origin: unknown.

Illumina Laboratory Services, Illumina
Classification: Uncertain significance for Severe combined immunodeficiency, autosomal recessive, T cell-negative, B cell-negative, NK cell-positive. Last evaluated: 2018-01-13. Review status: criteria provided, single submitter. Criteria: ICSL Variant Classification Criteria 13 December 2019. Collection method: clinical testing. Allele origin: germline.

Illumina Laboratory Services, Illumina
Classification: Uncertain significance for Histiocytic medullary reticulosis. Last evaluated: 2018-01-13. Review status: criteria provided, single submitter. Criteria: ICSL Variant Classification Criteria 13 December 2019. Collection method: clinical testing. Allele origin: germline.

Natera, Inc.
Classification: Uncertain significance for Omenn syndrome. Last evaluated: 2020-04-13. Review status: no assertion criteria provided. Collection method: clinical testing. Allele origin: germline. Not counted in ClinVar's aggregate classification.